The following is an entry in ClinVar:

NM_022124.6(CDH23):c.805C>T (p.Arg269Trp)

Gene: CDH23 (cadherin related 23; plus strand). Cytogenetic location: 10q22.1.
Variant type: single nucleotide variant.
Coding change: c.805C>T on transcript NM_022124.6 (MANE Select); coding-DNA position 805, C replaced by T.
Protein change: p.Arg269Trp; replaces arginine 269 with tryptophan.
Molecular consequence: missense variant.
Genome position (GRCh38, 1-based): chr10:71,577,965, C>T. VCF-style: chr10-71577965-C-T. GRCh37 (hg19) VCF-style: chr10-73337722-C-T.
Other names: c.805C>T, p.Arg269Trp (NM_001171930.2, NM_001171931.2, NM_001171932.2 and 1 more transcripts); short protein forms R269W.
Identifiers: ClinVar variation 1687042 (VCV001687042.7), dbSNP rs936479651, ClinGen allele CA209447663.

ClinVar aggregate classification (germline): Conflicting classifications of pathogenicity. Review status: criteria provided, conflicting classifications (1 of 4 stars). 5 submissions from 5 submitters: Pathogenic (2); Likely pathogenic (2); Uncertain significance (1). Last evaluated 2025-06-10.

Conditions:
Pituitary adenoma 5, multiple types. Identifiers: MedGen C4539685, MONDO:0054601, OMIM 617540.
Usher syndrome. Also called: Usher Syndromes; Usher's syndrome. Identifiers: Orphanet 886, MedGen CN469326, MeSH D052245, MONDO:0019501. Disease mechanism: loss of function.
Autosomal recessive nonsyndromic hearing loss 12. Also called: DEAFNESS, AUTOSOMAL RECESSIVE 12. Identifiers: Orphanet 90636, MedGen C1832394, MONDO:0011067, OMIM 601386.

Allele frequency attached by ClinVar (database versions not stated): gnomAD 0.00001; TOPMed below 0.00001.
gnomAD v4.1: 5 of 1,603,962 alleles (0.00031%); highest among the groups gnomAD compares: East Asian, 0.0022%; no homozygotes.

Submissions (5):

Labcorp Genetics (formerly Invitae), Labcorp
Classification: Pathogenic. Last evaluated: 2025-06-10. Review status: criteria provided, single submitter. Criteria: Invitae Variant Classification Sherloc (09022015). Collection method: clinical testing. Allele origin: germline.
Comment: This sequence change replaces arginine, which is basic and polar, with tryptophan, which is neutral and slightly polar, at codon 269 of the CDH23 protein (p.Arg269Trp). The frequency data for this variant in the population databases is considered unreliable, as metrics indicate poor data quality at this position in the gnomAD database. This missense change has been observed in individual(s) with non-syndromic deafness (PMID: 35020051, 35062939, 35248088). In at least one individual the data is consistent with being in trans (on the opposite chromosome) from a pathogenic variant. ClinVar contains an entry for this variant (Variation ID: 1687042). Invitae Evidence Modeling of protein sequence and biophysical properties (such as structural, functional, and spatial information, amino acid conservation, physicochemical variation, residue mobility, and thermodynamic stability) has been performed for this missense variant. However, the output from this modeling did not meet the statistical confidence thresholds required to predict the impact of this variant on CDH23 protein function. For these reasons, this variant has been classified as Pathogenic.

Women's Health and Genetics/Laboratory Corporation of America, LabCorp
Classification: Pathogenic for Usher syndrome. Last evaluated: 2024-11-11. Review status: criteria provided, single submitter. Criteria: LabCorp Variant Classification Summary - May 2015. Collection method: clinical testing. Allele origin: germline.
Comment: Variant summary: CDH23 c.805C>T (p.Arg269Trp) results in a non-conservative amino acid change in the encoded protein sequence. Four of five in-silico tools predict a damaging effect of the variant on protein function. The variant allele was found at a frequency of 8.6e-06 in 231908 control chromosomes. c.805C>T has been reported in the literature in multiple individuals affected with hearing loss (example, Bychkov_2022, Jin_2022,Mutai_2022,Usami_2022). These data indicate that the variant is likely to be associated with disease. To our knowledge, no experimental evidence demonstrating an impact on protein function has been reported. The following publications have been ascertained in the context of this evaluation (PMID: 35882863, 35062939, 35248088, 35020051). ClinVar contains an entry for this variant (Variation ID: 1687042). Based on the evidence outlined above, the variant was classified as pathogenic.

Baylor Genetics
Classification: Likely pathogenic for Pituitary adenoma 5, multiple types. Last evaluated: 2023-07-08. Review status: criteria provided, single submitter. Criteria: ACMG Guidelines, 2015. Collection method: clinical testing. Allele origin: unknown.

Blueprint Genetics
Classification: Uncertain significance. Last evaluated: 2019-09-13. Review status: criteria provided, single submitter. Criteria: ACMG Guidelines, 2015. Collection method: clinical testing. Allele origin: germline.

Laboratory of Inherited Metabolic Diseases, Research centre for medical genetics
Classification: Likely pathogenic for Autosomal recessive nonsyndromic hearing loss 12. Review status: criteria provided, single submitter. Criteria: ACMG Guidelines, 2015. Collection method: clinical testing. Allele origin: germline. Inheritance: Autosomal recessive inheritance. Affected: yes.
Comment: PM1 strong, PM2 supporting, PM3 supporting, PP1 supporting, PP3 supporting

Literature cited by the submitters: PubMed 35020051 (cited by Labcorp Genetics (formerly Invitae), Labcorp and Women's Health and Genetics/Laboratory Corporation of America, LabCorp); PubMed 35062939 (cited by Labcorp Genetics (formerly Invitae), Labcorp and Women's Health and Genetics/Laboratory Corporation of America, LabCorp); PubMed 35248088 (cited by Labcorp Genetics (formerly Invitae), Labcorp and Women's Health and Genetics/Laboratory Corporation of America, LabCorp); PubMed 35882863 (cited by Women's Health and Genetics/Laboratory Corporation of America, LabCorp).